The following is an entry in ClinVar:

NM_001366661.1(CLUH):c.3696C>G (p.Tyr1232Ter)

Gene: CLUH (CLUH binding protein of NUMT mRNA; minus strand). Cytogenetic location: 17p13.3.
Variant type: single nucleotide variant.
Coding change: c.3696C>G on transcript NM_001366661.1 (MANE Select); coding-DNA position 3696, C replaced by G.
Protein change: p.Tyr1232Ter; replaces tyrosine 1232 with a stop codon.
Molecular consequence: nonsense.
Genome position (GRCh38, 1-based): chr17:2,691,854, G>C on the plus strand (C>G on the coding strand, the complement: CLUH is on the minus strand). VCF-style: chr17-2691854-G-C. GRCh37 (hg19) VCF-style: chr17-2595148-G-C.
Other names: c.3579C>G, p.Tyr1193Ter (NM_001366662.1); c.3693C>G, p.Tyr1231Ter (NM_015229.4); short protein forms Y1193*, Y1231*, Y1232*.
Identifiers: ClinVar variation 3906217 (VCV003906217.2).

ClinVar aggregate classification (germline): Uncertain significance (1 of 4 stars; one submission).

Submission:

Blueprint Genetics
Classification: Uncertain significance. Last evaluated: 2023-09-15. Review status: criteria provided, single submitter. Criteria: ACMG Guidelines, 2015. Collection method: clinical testing. Allele origin: germline.